The following is an entry in ClinVar:

ClinVar aggregate classification (germline): Pathogenic/Likely pathogenic. Review status: criteria provided, multiple submitters, no conflicts (2 of 4 stars). 14 submissions from 14 submitters: Pathogenic (11); Likely pathogenic (1). 2 of the submissions do not count toward it. Last evaluated 2026-03-13.

Conditions:
Type 2 collagenopathy. Identifiers: Orphanet 93421, MedGen C2931073, MONDO:0022800.
Stickler syndrome type 1 (STL1). Also called: STICKLER SYNDROME, MEMBRANOUS VITREOUS TYPE; STICKLER SYNDROME, VITREOUS TYPE 1; COL2A1-Related Stickler Syndrome; ARTHROOPHTHALMOPATHY, HEREDITARY PROGRESSIVE. Identifiers: Orphanet 828, Orphanet 90653, MedGen C2020284, MONDO:0007160, OMIM 108300.
COL2A1-related disorder. Also called: COL2A1-related condition; COL2A1-related disorders.
COL2A1-related skeletal dysplasia.

gnomAD v4.1: 1 of 1,613,458 alleles (0.000062%); highest among the groups gnomAD compares: African/African-American, 0.0013%; no homozygotes.

Submissions (14):

MVZ Martinsried, Medicover Genetics
Classification: Pathogenic for Stickler syndrome type 1. Last evaluated: 2026-03-13. Review status: criteria provided, single submitter. Criteria: ACGS Guidelines, 2020. Collection method: clinical testing. Allele origin: unknown. Affected: yes. Observed: 1 heterozygote.

Labcorp Genetics (formerly Invitae), Labcorp
Classification: Pathogenic. Last evaluated: 2025-12-01. Review status: criteria provided, single submitter. Criteria: Invitae Variant Classification Sherloc (09022015). Collection method: clinical testing. Allele origin: germline.
Comment: This sequence change affects codon 954 of the COL2A1 mRNA. It is a 'silent' change, meaning that it does not change the encoded amino acid sequence of the COL2A1 protein. RNA analysis indicates that this variant induces altered splicing and may result in an absent or altered protein product. This variant is not present in population databases (gnomAD no frequency). This variant has been observed in individuals with clinical features of Stickler syndrome (PMID: 20179744, 20513134). ClinVar contains an entry for this variant (Variation ID: 988535). Studies have shown that this variant alters mRNA splicing and is expected to lead to the loss of protein expression (PMID: 20179744, 20513134). For these reasons, this variant has been classified as Pathogenic.

Rady Children's Institute for Genomic Medicine, Rady Children's Hospital San Diego
Classification: Pathogenic for COL2A1-related skeletal dysplasia. Last evaluated: 2025-10-27. Review status: criteria provided, single submitter. Criteria: ACMG Guidelines, 2015. Collection method: clinical testing. Allele origin: germline. Affected: yes.
Comment: This synonymous variant generates a cryptic splice site 35 nucleotides upstream of the normal donor splice site in intron 42, resulting in a frameshift with a premature stop codon (PMID: 20179744, 20513134). The COL2A1 gene is constrained against variation (Z-score= 5.39 and pLI = 1), and loss-of-function variants are an established mechanism of disease (HGMD, ClinVar database; PMID: 20179744, 27408751, 35741851). This variant has been previously reported as a heterozygous change in patients with COL2A1-related Stickler syndrome (PMID: 20179744, 31781920, 20513134, 34169787, 34680973). The c.2862C>T (p.Gly954=) variant is present in the latest version of the gnomAD population database at an allele frequency of 0.00006% (1/1613458) and thus is presumed to be rare. Based on the available evidence, c.2862C>T (p.Gly954=) is classified as Pathogenic.

Illumina Laboratory Services, Illumina
Classification: Pathogenic for Type 2 collagenopathy. Last evaluated: 2024-11-19. Review status: criteria provided, single submitter. Criteria: ICSLVariantClassificationCriteria RUGD 01 April 2020. Collection method: clinical testing. Allele origin: unknown.
Comment: The COL2A1 c.2862C>T p.(Gly954=) synonymous variant occurs near a splice region and has been shown to result in a splicing defect that leads to a deletion of 35 base pairs of the mRNA, causing a frameshift, and premature termination of the protein (PMID: 20179744; 20513134). This variant has been identified in individuals with a phenotype consistent with COL2A1-related disorders (PMID: 20179744; 20513134; 34680973). This variant is not observed at a significant frequency in version 2.1.1 or version 4.1.0 of the Genome Aggregation Database. Multiple lines of computational evidence suggest the variant may impact the gene or gene product. Based on the available evidence, the c.2862C>T p.(Gly954=) variant is classified as pathogenic for COL2A1-related disorders.

Blueprint Genetics
Classification: Pathogenic for COL2A1-related disorders. Last evaluated: 2024-09-10. Review status: criteria provided, single submitter. Criteria: ACMG Guidelines, 2015. Collection method: clinical testing. Allele origin: germline. Affected: yes. Observed: 5 variant alleles.

GeneDx
Classification: Pathogenic. Last evaluated: 2024-03-03. Review status: criteria provided, single submitter. Criteria: GeneDx Variant Classification Process June 2021. Collection method: clinical testing. Allele origin: germline. Affected: yes.
Comment: Non-canonical splice site variant demonstrated to result in loss-of-function (PMID: 20513134); Not observed at significant frequency in large population cohorts (gnomAD); This variant is associated with the following publications: (PMID: 31781920, 20179744, 34680973, 34169787, 27193475, 26443184, 20513134, 33726816)

Mayo Clinic Laboratories, Mayo Clinic
Classification: Pathogenic. Last evaluated: 2024-02-15. Review status: criteria provided, single submitter. Criteria: ACMG Guidelines, 2015. Collection method: clinical testing. Allele origin: germline. Observed: 1 variant allele.
Comment: PP4, PM2, PS3, PS4

3billion
Classification: Pathogenic for Stickler syndrome type 1. Last evaluated: 2023-07-30. Review status: criteria provided, single submitter. Criteria: ACMG Guidelines, 2015. Collection method: clinical testing. Allele origin: germline. Affected: yes.
Comment: The variant is not observed in the gnomAD v2.1.1 dataset. Predicted Consequence/Location: Synonymous variant: previously reported to alter splicing and result in a loss of normal protein function through nonsense-mediated decay (NMD) or protein truncation (PMID: 20179744, 20513134). Synonymous variant: previously reported to alter splicing and result in a loss of normal protein function through nonsense-mediated decay (NMD) or protein truncation (PMID: 20179744, 20513134). Therefore, this variant is classified as Pathogenic according to the recommendation of ACMG/AMP guideline.

CeGaT Center for Human Genetics Tuebingen
Classification: Pathogenic. Last evaluated: 2023-06-01. Review status: criteria provided, single submitter. Criteria: CeGaT Center For Human Genetics Tuebingen Variant Classification Criteria Version 2. Collection method: clinical testing. Allele origin: germline. Affected: yes. Observed: 1 variant allele.
Comment: COL2A1: PVS1, PS4:Moderate, PM2:Supporting, PP1, PS3:Supporting

Institute of Human Genetics Munich, TUM University Hospital
Classification: Pathogenic for Stickler syndrome type 1. Last evaluated: 2022-12-09. Review status: criteria provided, single submitter. Criteria: Classification criteria August 2017. Collection method: clinical testing. Allele origin: germline. Inheritance: Autosomal dominant inheritance. Affected: yes. Observed: 1 variant allele.

Institute of Human Genetics, University of Leipzig Medical Center
Classification: Likely pathogenic for Stickler syndrome type 1. Last evaluated: 2022-09-30. Review status: criteria provided, single submitter. Criteria: ACMG Guidelines, 2015. Collection method: clinical testing. Allele origin: maternal. Affected: yes.
Comment: _x000D_ Criteria applied: PS3, PS4_MOD, PM2_SUP, PP3, PP4

Clinical Genetics and Genomics, Karolinska University Hospital
Classification: Pathogenic. Last evaluated: 2017-10-17. Review status: criteria provided, single submitter. Criteria: ACMG Guidelines, 2015. Collection method: clinical testing. Allele origin: germline. Affected: yes. Observed: 2 variant alleles.

Genome Diagnostics Laboratory, Amsterdam University Medical Center
Classification: Pathogenic. Review status: no assertion criteria provided. Collection method: clinical testing. Allele origin: germline. Affected: yes. Study: VKGL Data-share Consensus. Not counted in ClinVar's aggregate classification.

Joint Genome Diagnostic Labs from Nijmegen and Maastricht, Radboudumc and MUMC+
Classification: Pathogenic. Review status: no assertion criteria provided. Collection method: clinical testing. Allele origin: germline. Affected: yes. Study: VKGL Data-share Consensus. Not counted in ClinVar's aggregate classification.

Literature cited by the submitters: PubMed 20179744 (cited by 5 submitters); PubMed 20513134 (cited by 5 submitters); PubMed 27408751 (cited by Rady Children's Institute for Genomic Medicine, Rady Children's Hospital San Diego); PubMed 31781920 (cited by Rady Children's Institute for Genomic Medicine, Rady Children's Hospital San Diego and Mayo Clinic Laboratories, Mayo Clinic); PubMed 34169787 (cited by Rady Children's Institute for Genomic Medicine, Rady Children's Hospital San Diego and Mayo Clinic Laboratories, Mayo Clinic); PubMed 34680973 (cited by 3 submitters); PubMed 35741851 (cited by Rady Children's Institute for Genomic Medicine, Rady Children's Hospital San Diego); PubMed 26443184 (cited by Mayo Clinic Laboratories, Mayo Clinic); PubMed 27193475 (cited by Mayo Clinic Laboratories, Mayo Clinic); PubMed 33726816 (cited by Mayo Clinic Laboratories, Mayo Clinic).

NM_001844.5(COL2A1):c.2862C>T (p.Gly954=)

Gene: COL2A1 (collagen type II alpha 1 chain; minus strand). Cytogenetic location: 12q13.11.
Variant type: single nucleotide variant.
Coding change: c.2862C>T on transcript NM_001844.5 (MANE Select); coding-DNA position 2862, C replaced by T.
Protein change: p.Gly954=; no amino-acid change (glycine 954 retained).
Molecular consequence: synonymous variant.
Genome position (GRCh38, 1-based): chr12:47,978,630, G>A on the plus strand (C>T on the coding strand, the complement: COL2A1 is on the minus strand). VCF-style: chr12-47978630-G-A. GRCh37 (hg19) VCF-style: chr12-48372413-G-A.
Other names: p.Gly954=; c.2655C>T, p.Gly885= (NM_033150.3).
Identifiers: ClinVar variation 988535 (VCV000988535.48), dbSNP rs367806541, ClinGen allele CA479696709.